The following is an entry in ClinVar:

ClinVar aggregate classification (germline): Uncertain significance (1 of 4 stars; one submission).

Conditions:
Hereditary cancer-predisposing syndrome. Also called: Neoplastic Syndromes, Hereditary; Tumor predisposition; Hereditary Cancer Syndrome; Hereditary neoplastic syndrome. Identifiers: Orphanet 140162, MedGen C0027672, MeSH D009386, MONDO:0015356.

Submission:

Ambry Genetics
Classification: Uncertain significance for Hereditary cancer-predisposing syndrome. Last evaluated: 2026-03-25. Review status: criteria provided, single submitter. Criteria: Ambry Variant Classification Scheme 2023. Collection method: clinical testing. Allele origin: germline.
Comment: The p.Y1241H variant (also known as c.3721T>C), located in coding exon 22 of the PTCH1 gene, results from a T to C substitution at nucleotide position 3721. The tyrosine at codon 1241 is replaced by histidine, an amino acid with similar properties. This amino acid position is conserved. In addition, this alteration is predicted to be deleterious by in silico analysis. Based on the available evidence, the clinical significance of this variant remains unclear.

NM_000264.5(PTCH1):c.3721T>C (p.Tyr1241His)

Gene: PTCH1 (patched 1; minus strand). Cytogenetic location: 9q22.32.
Variant type: single nucleotide variant.
Coding change: c.3721T>C on transcript NM_000264.5 (MANE Select); coding-DNA position 3721, T replaced by C.
Protein change: p.Tyr1241His; replaces tyrosine 1241 with histidine.
Molecular consequence: missense variant. On other transcripts: non-coding transcript variant (1).
Genome position (GRCh38, 1-based): chr9:95,449,152, A>G on the plus strand (T>C on the coding strand, the complement: PTCH1 is on the minus strand). VCF-style: chr9-95449152-A-G. GRCh37 (hg19) VCF-style: chr9-98211434-A-G.
Other names: c.3565T>C, p.Tyr1189His (NM_001354918.2); c.3523T>C, p.Tyr1175His (NM_001083602.3); c.3718T>C, p.Tyr1240His (NM_001083603.3); c.3268T>C, p.Tyr1090His (NM_001083604.3, NM_001083605.3, NM_001083606.3 and 1 more transcripts); short protein forms Y1090H, Y1175H, Y1189H, Y1240H, Y1241H.
Identifiers: ClinVar variation 4862646 (VCV004862646.1).